The following is an entry in ClinVar:

ClinVar aggregate classification (germline): Pathogenic (1 of 4 stars; one submission).

Conditions:
PHIP-related disorder. Also called: PHIP-related condition; PHIP-related disorders.

Submission:

PreventionGenetics, part of Exact Sciences
Classification: Pathogenic for PHIP-related condition. Last evaluated: 2023-09-12. Review status: criteria provided, single submitter. Criteria: ACMG Guidelines, 2015. Collection method: clinical testing. Allele origin: germline.
Comment: The PHIP c.2670_2671delGA variant is predicted to result in a frameshift and premature protein termination (p.Lys891Alafs*5). To our knowledge, this variant has not been reported in the literature or in a large population database, indicating this variant is rare. Frameshift variants in PHIP are expected to be pathogenic. This variant is interpreted as pathogenic.

NM_017934.7(PHIP):c.2670_2671del (p.Lys891fs)

Gene: PHIP (PHIP subunit of CUL4-Ring ligase complex; minus strand). Cytogenetic location: 6q14.1.
Variant type: Deletion.
Coding change: c.2670_2671del on transcript NM_017934.7 (MANE Select); coding-DNA positions 2670 to 2671, 2 bases deleted (GA; older notation c.2670_2671delGA).
Protein change: p.Lys891fs; shifts the reading frame from lysine 891.
Molecular consequence: frameshift variant.
Genome position (GRCh38, 1-based): chr6:78,982,984-78,982,985, TC deleted on the plus strand (GA on the coding strand, the reverse complement: PHIP is on the minus strand); deleting any 2 consecutive bases within chr6:78,982,984-78,982,986 gives the same sequence; the c. name uses the placement nearest the transcript's 3' end. VCF-style (leftmost placement, unchanged base first): chr6-78982983-TTC-T. GRCh37 (hg19) VCF-style: chr6-79692700-TTC-T.
Other names: short protein forms K891fs.
Identifiers: ClinVar variation 2630755 (VCV002630755.1), dbSNP rs2481963256, ClinGen allele CA2695198315.